The following is an entry in ClinVar:

ClinVar aggregate classification (germline): Uncertain significance (1 of 4 stars; one submission).

Submission:

Labcorp Genetics (formerly Invitae), Labcorp
Classification: Uncertain significance. Last evaluated: 2026-02-03. Review status: criteria provided, single submitter. Criteria: Invitae Variant Classification Sherloc (09022015). Collection method: clinical testing. Allele origin: germline.
Comment: This sequence change falls in intron 14 of the MTTP gene. It does not directly change the encoded amino acid sequence of the MTTP protein. This variant is present in population databases (no rsID available, gnomAD 0.0009%). This variant has not been reported in the literature in individuals affected with MTTP-related conditions. Algorithms developed to predict the effect of sequence changes on RNA splicing suggest that this variant may disrupt the consensus splice site. In summary, the available evidence is currently insufficient to determine the role of this variant in disease. Therefore, it has been classified as a Variant of Uncertain Significance.

NM_001386140.1(MTTP):c.1868-16_1868-11del

Gene: MTTP (microsomal triglyceride transfer protein; plus strand). Cytogenetic location: 4q23.
Variant type: Deletion.
Coding change: c.1868-16_1868-11del on transcript NM_001386140.1 (MANE Select); 16 bases into the intron before coding-DNA position 1868 through 11 bases into the intron before coding-DNA position 1868, 6 bases deleted (TATTGT; older notation c.1868-16_1868-11delTATTGT).
Molecular consequence: intron variant.
Genome position (GRCh38, 1-based): chr4:99,611,316-99,611,321, TATTGT deleted; deleting any 6 consecutive bases within chr4:99,611,314-99,611,321 gives the same sequence; the c. name uses the placement nearest the transcript's 3' end. VCF-style (leftmost placement, unchanged base first): chr4-99611313-AGTTATT-A. GRCh37 (hg19) VCF-style: chr4-100532470-AGTTATT-A.
Other names: c.1868-16_1868-11del (NM_000253.4); c.1619-16_1619-11del (NM_001300785.2).
Identifiers: ClinVar variation 4714195 (VCV004714195.1).